The following is an entry in ClinVar:

NM_001267550.2(TTN):c.21958T>A (p.Leu7320Ile)

Gene: TTN (titin; minus strand). Cytogenetic location: 2q31.2.
Variant type: single nucleotide variant.
Coding change: c.21958T>A on transcript NM_001267550.2 (MANE Select); coding-DNA position 21958, T replaced by A.
Protein change: p.Leu7320Ile; replaces leucine 7320 with isoleucine.
Molecular consequence: missense variant. On other transcripts: intron variant (3).
Genome position (GRCh38, 1-based): chr2:178,723,049, A>T on the plus strand (T>A on the coding strand, the complement: TTN is on the minus strand). VCF-style: chr2-178723049-A-T. GRCh37 (hg19) VCF-style: chr2-179587776-A-T.
Other names: c.21007T>A, p.Leu7003Ile (NM_001256850.1); c.18226T>A, p.Leu6076Ile (NM_133378.4); c.13282+15033T>A (NM_003319.4); c.13858+15033T>A (NM_133437.4); c.13657+15033T>A (NM_133432.3); short protein forms L6076I, L7003I, L7320I.
Identifiers: ClinVar variation 811169 (VCV000811169.8), dbSNP rs1578036529, ClinGen allele CA349530045.

ClinVar aggregate classification (germline): Uncertain significance (1 of 4 stars; one submission).

Submission:

ARUP Laboratories, Molecular Genetics and Genomics, ARUP Laboratories
Classification: Uncertain significance. Last evaluated: 2018-10-28. Review status: criteria provided, single submitter. Criteria: ARUP Molecular Germline Variant Investigation Process. Collection method: clinical testing. Allele origin: germline.
Comment: The TTN c.18226T>A; p.Leu6076Ile variant is rare in the general population (<1% allele frequency in the Genome Aggregation Database) and has not been reported in the medical literature in association with dilated cardiomyopathy (DCM) or other TTN-related disease. The clinical relevance of rare missense variants in this gene, which are identified on average once per individual sequenced in affected populations (Herman 2012), is not well understood. Yet, evidence suggests that the vast majority of such missense variants do not contribute to the clinical outcome of DCM (Begay 2015). Thus, the clinical significance of the p.Leu6076Ile variant cannot be determined with certainty. References: Begay RL et al. Role of Titin Missense Variants in Dilated Cardiomyopathy. J Am Heart Assoc. 2015 Nov 13;4(11). Herman DS et al. Truncations of titin causing dilated cardiomyopathy. N Engl J Med. 2012 Feb 16;366(7):619-28.